The following is an entry in ClinVar:

NM_002485.5(NBN):c.1325G>T (p.Ser442Ile)

Gene: NBN (nibrin; minus strand). Cytogenetic location: 8q21.3.
Variant type: single nucleotide variant.
Coding change: c.1325G>T on transcript NM_002485.5 (MANE Select); coding-DNA position 1325, G replaced by T.
Protein change: p.Ser442Ile; replaces serine 442 with isoleucine.
Molecular consequence: missense variant.
Genome position (GRCh38, 1-based): chr8:89,955,355, C>A on the plus strand (G>T on the coding strand, the complement: NBN is on the minus strand). VCF-style: chr8-89955355-C-A. GRCh37 (hg19) VCF-style: chr8-90967583-C-A.
Other names: c.1079G>T, p.Ser360Ile (NM_001024688.3, NM_001440379.1, NM_001440380.1); short protein forms S442I, S360I.
Identifiers: ClinVar variation 5025392 (VCV005025392.1).

ClinVar aggregate classification (germline): Uncertain significance (1 of 4 stars; one submission).

Conditions:
Hereditary cancer-predisposing syndrome. Also called: Neoplastic Syndromes, Hereditary; Tumor predisposition; Hereditary neoplastic syndrome; Hereditary Cancer Syndrome. Identifiers: Orphanet 140162, MedGen C0027672, MeSH D009386, MONDO:0015356.

Submission:

Ambry Genetics
Classification: Uncertain significance for Hereditary cancer-predisposing syndrome. Last evaluated: 2026-07-06. Review status: criteria provided, single submitter. Criteria: Ambry Variant Classification Scheme 2023. Collection method: clinical testing. Allele origin: germline.
Comment: The p.S442I variant (also known as c.1325G>T), located in coding exon 10 of the NBN gene, results from a G to T substitution at nucleotide position 1325. The serine at codon 442 is replaced by isoleucine, an amino acid with dissimilar properties. This amino acid position is conserved. In addition, this alteration is predicted to be tolerated by in silico analysis. Based on the available evidence, the clinical significance of this variant remains unclear.